The following is an entry in ClinVar:

ClinVar aggregate classification (germline): other (0 of 4 stars; one submission).

Conditions:
ALBUMIN REDHILL.

Submission:

OMIM
Classification: other for ALBUMIN REDHILL. Last evaluated: 2019-07-18. Review status: no assertion criteria provided. Collection method: literature only. Allele origin: germline.

Literature cited by the submitters: PubMed 683332.

NM_000477.7(ALB):c.[1030G>A;67C>T]

Variant type: Haplotype.
Identifiers: ClinVar variation 2627896 (VCV002627896.1).